The following is an entry in ClinVar:

ClinVar aggregate classification (germline): Conflicting classifications of pathogenicity. Review status: criteria provided, conflicting classifications (1 of 4 stars). 3 submissions from 3 submitters: Uncertain significance (1); Benign (1); Likely benign (1). Last evaluated 2025-08-08.

Conditions:
Holoprosencephaly 11 (HPE11). Identifiers: Orphanet 2162, MedGen C3280215, MONDO:0013642, OMIM 614226.

Allele frequency attached by ClinVar (database versions not stated): gnomAD exomes 0.00024 and 0.00053; ExAC 0.00072; 1000 Genomes Project 30x 0.00125; 1000 Genomes Project 0.00140; gnomAD 0.00186 and 0.00203; TOPMed 0.00209; ESP Exome Variant Server 0.00231.
gnomAD v4.1: 647 of 1,614,074 alleles (0.04%); highest among the groups gnomAD compares: African/African-American, 0.66%; 2 homozygotes.

Submissions (3):

Labcorp Genetics (formerly Invitae), Labcorp
Classification: Benign for Holoprosencephaly 11. Last evaluated: 2025-08-08. Review status: criteria provided, single submitter. Criteria: Invitae Variant Classification Sherloc (09022015). Collection method: clinical testing. Allele origin: germline.

GeneDx
Classification: Uncertain significance. Last evaluated: 2024-11-11. Review status: criteria provided, single submitter. Criteria: GeneDx Variant Classification Process June 2021. Collection method: clinical testing. Allele origin: germline. Affected: yes.
Comment: In silico analysis indicates that this missense variant does not alter protein structure/function; Has not been previously published as pathogenic or benign to our knowledge

Blueprint Genetics
Classification: Likely benign. Last evaluated: 2024-11-06. Review status: criteria provided, single submitter. Criteria: ACMG Guidelines, 2015. Collection method: clinical testing. Allele origin: germline.

NM_001378964.1(CDON):c.1310G>A (p.Arg437His)

Gene: CDON (cell adhesion associated, oncogene regulated; minus strand). Cytogenetic location: 11q24.2.
Variant type: single nucleotide variant.
Coding change: c.1310G>A on transcript NM_001378964.1 (MANE Select); coding-DNA position 1310, G replaced by A.
Protein change: p.Arg437His; replaces arginine 437 with histidine.
Molecular consequence: missense variant.
Genome position (GRCh38, 1-based): chr11:126,010,583, C>T on the plus strand (G>A on the coding strand, the complement: CDON is on the minus strand). VCF-style: chr11-126010583-C-T. GRCh37 (hg19) VCF-style: chr11-125880478-C-T.
Other names: c.1310G>A, p.Arg437His (NM_001243597.3, NM_016952.6); short protein forms R437H.
Identifiers: ClinVar variation 539750 (VCV000539750.13), dbSNP rs114866803, ClinGen allele CA6352059.